The following is an entry in ClinVar:

NM_001330691.3(CEP78):c.253+8G>A

Gene: CEP78 (centrosomal protein 78; plus strand). Cytogenetic location: 9q21.2.
Variant type: single nucleotide variant.
Coding change: c.253+8G>A on transcript NM_001330691.3 (MANE Select); 8 bases into the intron after coding-DNA position 253, G replaced by A.
Molecular consequence: intron variant.
Genome position (GRCh38, 1-based): chr9:78,236,611, G>A. VCF-style: chr9-78236611-G-A. GRCh37 (hg19) VCF-style: chr9-80851527-G-A.
Other names: p.?; c.253+8G>A (NM_001349839.2, NM_001349840.2, NM_001330693.3 and 4 more transcripts).
Identifiers: ClinVar variation 517539 (VCV000517539.17), dbSNP rs13292584, ClinGen allele CA5094847.

ClinVar aggregate classification (germline): Benign. Review status: criteria provided, multiple submitters, no conflicts (2 of 4 stars). 6 submissions from 6 submitters: Benign (6). Last evaluated 2026-02-04.

Allele frequency attached by ClinVar (database versions not stated): 1000 Genomes Project 0.28395; 1000 Genomes Project 30x 0.28654; TOPMed 0.30763; ESP Exome Variant Server 0.31213; gnomAD 0.31521 and 0.31779; gnomAD exomes 0.35047 and 0.37204; ExAC 0.37164.
gnomAD v4.1: 558,042 of 1,523,010 alleles (37%); highest among the groups gnomAD compares: Middle Eastern, 40%; 104,533 homozygotes.

Submissions (6):

Labcorp Genetics (formerly Invitae), Labcorp
Classification: Benign. Last evaluated: 2026-02-04. Review status: criteria provided, single submitter. Criteria: Invitae Variant Classification Sherloc (09022015). Collection method: clinical testing. Allele origin: germline.

Blueprint Genetics
Classification: Benign. Last evaluated: 2024-11-27. Review status: criteria provided, single submitter. Criteria: ACMG Guidelines, 2015. Collection method: clinical testing. Allele origin: germline.

GeneDx
Classification: Benign. Last evaluated: 2021-05-10. Review status: criteria provided, single submitter. Criteria: GeneDx Variant Classification Process June 2021. Collection method: clinical testing. Allele origin: germline. Affected: yes.

Mayo Clinic Laboratories, Mayo Clinic
Classification: Benign. Last evaluated: 2019-06-21. Review status: criteria provided, single submitter. Criteria: ACMG Guidelines, 2015. Collection method: clinical testing. Allele origin: germline. Observed: 87 variant alleles.

Laboratory for Molecular Medicine, Mass General Brigham Personalized Medicine
Classification: Benign. Last evaluated: 2017-08-23. Review status: criteria provided, single submitter. Criteria: LMM Criteria. Collection method: clinical testing. Allele origin: germline. Observed: 34 variant alleles.
Comment: c.253+8G>A in intron 1 of CEP78: This variant is not expected to have clinical s ignificance because it does not alter an amino acid residue, is not located with in the splice consensus sequence, and has been identified in 41.93% (3473/8282) of South Asian chromosomes by the Exome Aggregation Consortium (ExAC; dbSNP rs13292584).

Breakthrough Genomics
Classification: Benign. Review status: criteria provided, single submitter. Criteria: ACMG Guidelines, 2015. Collection method: not provided. Allele origin: germline. Inheritance: Autosomal recessive inheritance. Affected: yes.